The following is an entry in ClinVar:

ClinVar aggregate classification (germline): Uncertain significance. Review status: criteria provided, multiple submitters, no conflicts (2 of 4 stars). 3 submissions from 3 submitters: Uncertain significance (3). Last evaluated 2025-09-17.

Conditions:
PLEC-related disorder. Also called: PLEC-related condition; PLEC-related disorders.
Epidermolysis bullosa simplex, Ogna type (EBS5A). Also called: EPIDERMOLYSIS BULLOSA SIMPLEX 5A, OGNA TYPE; Pidermolysis bullosa simplex 5A, Ogna type. Identifiers: Orphanet 79401, MedGen C0432317, MONDO:0007555, OMIM 131950.
Epidermolysis bullosa simplex 5C, with pyloric atresia (EBS5C). Also called: PLEC1-Related Epidermolysis Bullosa with Pyloric Atresia; PLEC-Related Epidermolysis Bullosa with Pyloric Atresia; Epidermolysis bullosa simplex with pyloric atresia. Identifiers: Orphanet 158684, MedGen C2677349, MONDO:0012807, OMIM 612138.
Autosomal recessive limb-girdle muscular dystrophy type 2Q (LGMDR17). Also called: MUSCULAR DYSTROPHY, LIMB-GIRDLE, AUTOSOMAL RECESSIVE 17. Identifiers: Orphanet 254361, MedGen C3150989, MONDO:0013390, OMIM 613723.
Epidermolysis bullosa simplex 5B, with muscular dystrophy (EBS5B). Also called: EPIDERMOLYSIS BULLOSA SIMPLEX AND LIMB-GIRDLE MUSCULAR DYSTROPHY; Epidermolysis bullosa simplex with muscular dystrophy. Identifiers: Orphanet 257, MedGen C2931072, MONDO:0009181, OMIM 226670.
Epidermolysis bullosa simplex with nail dystrophy (EBS5D). Identifiers: MedGen C4225309, MONDO:0014661, OMIM 616487.

Allele frequency attached by ClinVar (database versions not stated): ExAC 0.00001; TOPMed 0.00008; gnomAD 0.00023.
gnomAD v4.1: 57 of 1,613,758 alleles (0.0035%); highest among the groups gnomAD compares: Admixed American, 0.078%; 1 homozygote.

Submissions (3):

PreventionGenetics, part of Exact Sciences
Classification: Uncertain significance for PLEC-related condition. Last evaluated: 2025-09-17. Review status: criteria provided, single submitter. Criteria: ACMG Guidelines, 2015. Collection method: clinical testing. Allele origin: germline.
Comment: The PLEC c.10528G>A variant is predicted to result in the amino acid substitution p.Val3510Met. To our knowledge, this variant has not been reported in the literature. This variant is reported in 0.026% of alleles in individuals of Latino descent in gnomAD. At this time, the clinical significance of this variant is uncertain due to the absence of conclusive functional and genetic evidence.

Labcorp Genetics (formerly Invitae), Labcorp
Classification: Uncertain significance for Autosomal recessive limb-girdle muscular dystrophy type 2Q; Epidermolysis bullosa simplex, Ogna type; Epidermolysis bullosa simplex with nail dystrophy; Epidermolysis bullosa simplex 5C, with pyloric atresia; Epidermolysis bullosa simplex 5B, with muscular dystrophy. Last evaluated: 2024-05-13. Review status: criteria provided, single submitter. Criteria: Invitae Variant Classification Sherloc (09022015). Collection method: clinical testing. Allele origin: germline.
Comment: This sequence change replaces valine, which is neutral and non-polar, with methionine, which is neutral and non-polar, at codon 3510 of the PLEC protein (p.Val3510Met). This variant is present in population databases (rs782236056, gnomAD 0.03%). This variant has not been reported in the literature in individuals affected with PLEC-related conditions. ClinVar contains an entry for this variant (Variation ID: 2054877). Advanced modeling of protein sequence and biophysical properties (such as structural, functional, and spatial information, amino acid conservation, physicochemical variation, residue mobility, and thermodynamic stability) performed at Invitae indicates that this missense variant is not expected to disrupt PLEC protein function with a negative predictive value of 80%. In summary, the available evidence is currently insufficient to determine the role of this variant in disease. Therefore, it has been classified as a Variant of Uncertain Significance.

Revvity Omics, Revvity
Classification: Uncertain significance. Last evaluated: 2021-12-17. Review status: criteria provided, single submitter. Criteria: ACMG Guidelines, 2015. Collection method: clinical testing. Allele origin: germline.

NM_201384.3(PLEC):c.10447G>A (p.Val3483Met)

Gene: PLEC (plectin; minus strand). Cytogenetic location: 8q24.3.
Variant type: single nucleotide variant.
Coding change: c.10447G>A on transcript NM_201384.3 (MANE Select); coding-DNA position 10447, G replaced by A.
Protein change: p.Val3483Met; replaces valine 3483 with methionine.
Molecular consequence: missense variant.
Genome position (GRCh38, 1-based): chr8:143,919,374, C>T on the plus strand (G>A on the coding strand, the complement: PLEC is on the minus strand). VCF-style: chr8-143919374-C-T. GRCh37 (hg19) VCF-style: chr8-144993542-C-T.
Other names: c.10528G>A (NM_000445.4); c.10528G>A, p.Val3510Met (NM_000445.5); c.7147G>A, p.Val2383Met (NM_001410941.1); c.10405G>A, p.Val3469Met (NM_201378.4); c.10381G>A, p.Val3461Met (NM_201379.3); c.10858G>A, p.Val3620Met (NM_201380.4); c.10351G>A, p.Val3451Met (NM_201381.3); c.10447G>A, p.Val3483Met (NM_201382.4); and 1 more; short protein forms V3461M, V3487M, V3620M, V3483M, V2383M, V3451M, V3469M, V3510M.
Identifiers: ClinVar variation 2054877 (VCV002054877.8), dbSNP rs782236056, ClinGen allele CA4924650.
Genomic context (GRCh38, chr8:143,919,374, plus strand): 5'-CCAGGACGCGGTTCATCTCCTCACTGAAGTAGCCGCGCTGGTAGGCCACGTCCACAGGCA[C>T]GCGGTGGCTGTGCACGGGGTCGATGATGCCGCCCGTGGCGATCTGGGCCTCCAGCAGGCG-3'
Protein context (NP_958786.1, residues 3473-3493): GIIDPVHSHR[Val3483Met]PVDVAYQRGY